The following is an entry in ClinVar:

NM_138927.4(SON):c.2233A>G (p.Met745Val)

Gene: SON (SON DNA and RNA binding protein; plus strand). Cytogenetic location: 21q22.11.
Variant type: single nucleotide variant.
Coding change: c.2233A>G on transcript NM_138927.4 (MANE Select); coding-DNA position 2233, A replaced by G.
Protein change: p.Met745Val; replaces methionine 745 with valine.
Molecular consequence: missense variant. On other transcripts: non-coding transcript variant (1), intron variant (1).
Genome position (GRCh38, 1-based): chr21:33,551,464, A>G. VCF-style: chr21-33551464-A-G. GRCh37 (hg19) VCF-style: chr21-34923770-A-G.
Other names: c.2233A>G, p.Met745Val (NM_001291411.2, NM_032195.3); c.244+5085A>G (NM_001291412.3); short protein forms M745V.
Identifiers: ClinVar variation 3604534 (VCV003604534.2).
Genomic context (GRCh38, chr21:33,551,464, plus strand): 5'-ATATTAGCATCCAACACCATGGACTCCCAAATGCTAGCGTCCAACACCATGGACTCCCAG[A>G]TGCTAGCATCCAACACCATGGACTCCCAGATGTTAGCGTCTAGCACCATGGACTCCCAGA-3'
Protein context (NP_620305.3, residues 735-755): MLASNTMDSQ[Met745Val]LASNTMDSQM

ClinVar aggregate classification (germline): Uncertain significance (1 of 4 stars; one submission).

gnomAD v4.1: 4 of 1,614,150 alleles (0.00025%); highest among the groups gnomAD compares: Middle Eastern, 0.017%; no homozygotes.

Submission:

Labcorp Genetics (formerly Invitae), Labcorp
Classification: Uncertain significance. Last evaluated: 2024-08-14. Review status: criteria provided, single submitter. Criteria: Invitae Variant Classification Sherloc (09022015). Collection method: clinical testing. Allele origin: germline.
Comment: This sequence change replaces methionine, which is neutral and non-polar, with valine, which is neutral and non-polar, at codon 745 of the SON protein (p.Met745Val). This variant is present in population databases (rs773994264, gnomAD 0.006%), including at least one homozygous and/or hemizygous individual. This variant has not been reported in the literature in individuals affected with SON-related conditions. An algorithm developed to predict the effect of missense changes on protein structure and function (PolyPhen-2) suggests that this variant is likely to be disruptive. In summary, the available evidence is currently insufficient to determine the role of this variant in disease. Therefore, it has been classified as a Variant of Uncertain Significance.